The following is an entry in ClinVar:

ClinVar aggregate classification (germline): Likely benign (1 of 4 stars; one submission).

Conditions:
ABCC8-related disorder.

gnomAD v4.1: 72 of 1,604,134 alleles (0.0045%); highest among the groups gnomAD compares: African/African-American, 0.048%; no homozygotes.

Submission:

PreventionGenetics, part of Exact Sciences
Classification: Likely benign for ABCC8-related condition. Last evaluated: 2026-07-23. Review status: criteria provided, single submitter. Criteria: ACMG Guidelines, 2015. Collection method: clinical testing. Allele origin: germline.
Comment: This variant is classified as likely benign based on ACMG/AMP sequence variant interpretation guidelines (Richards et al. 2015 PMID: 25741868, with internal and published modifications).

NM_000352.6(ABCC8):c.1468-42C>T

Gene: ABCC8 (ATP binding cassette subfamily C member 8; minus strand). Cytogenetic location: 11p15.1.
Variant type: single nucleotide variant.
Coding change: c.1468-42C>T on transcript NM_000352.6 (MANE Select); 42 bases into the intron before coding-DNA position 1468, C replaced by T.
Molecular consequence: intron variant.
Genome position (GRCh38, 1-based): chr11:17,442,924, G>A on the plus strand (C>T on the coding strand, the complement: ABCC8 is on the minus strand). VCF-style: chr11-17442924-G-A. GRCh37 (hg19) VCF-style: chr11-17464471-G-A.
Other names: c.1465-42C>T (NM_001351297.2, NM_001351296.2); c.1468-42C>T (NM_001351295.2, NM_001287174.3).
Identifiers: ClinVar variation 4994073 (VCV004994073.1).